The following is an entry in ClinVar:

NM_032608.7(MYO18B):c.5592G>C (p.Met1864Ile)

Gene: MYO18B (myosin XVIIIB; plus strand). Cytogenetic location: 22q12.1.
Variant type: single nucleotide variant.
Coding change: c.5592G>C on transcript NM_032608.7 (MANE Select); coding-DNA position 5592, G replaced by C.
Protein change: p.Met1864Ile; replaces methionine 1864 with isoleucine.
Molecular consequence: missense variant.
Genome position (GRCh38, 1-based): chr22:25,946,211, G>C. VCF-style: chr22-25946211-G-C. GRCh37 (hg19) VCF-style: chr22-26342177-G-C.
Other names: c.5595G>C, p.Met1865Ile (NM_001318245.2); short protein forms M1864I, M1865I.
Identifiers: ClinVar variation 1965713 (VCV001965713.5), dbSNP rs1391809348, ClinGen allele CA411007777.

ClinVar aggregate classification (germline): Uncertain significance (1 of 4 stars; one submission).

Submission:

Labcorp Genetics (formerly Invitae), Labcorp
Classification: Uncertain significance. Last evaluated: 2026-01-30. Review status: criteria provided, single submitter. Criteria: Invitae Variant Classification Sherloc (09022015). Collection method: clinical testing. Allele origin: germline.
Comment: This sequence change replaces methionine, which is neutral and non-polar, with isoleucine, which is neutral and non-polar, at codon 1864 of the MYO18B protein (p.Met1864Ile). This variant is not present in population databases (gnomAD no frequency). This variant has not been reported in the literature in individuals affected with MYO18B-related conditions. ClinVar contains an entry for this variant (Variation ID: 1965713). An algorithm developed to predict the effect of missense changes on protein structure and function (PolyPhen-2) suggests that this variant is likely to be tolerated. In summary, the available evidence is currently insufficient to determine the role of this variant in disease. Therefore, it has been classified as a Variant of Uncertain Significance.